The following is an entry in ClinVar:

ClinVar aggregate classification (germline): Pathogenic (1 of 4 stars; one submission).

Submission:

GeneDx
Classification: Pathogenic. Last evaluated: 2018-11-29. Review status: criteria provided, single submitter. Criteria: GeneDx Variant Classification (06012015). Collection method: clinical testing. Allele origin: germline. Affected: yes.
Comment: The c.42_47delAGGGACinsGGGAA variant in the CHM gene has not been reported previously as a pathogenic variant nor as a benign variant, to our knowledge. This variant causes a frameshift starting with codon Isoleucine 14, changes this amino acid to a Methionine residue, and creates a premature Stop codon at position 46 of the new reading frame, denoted p.Ile14MetfsX46. This variant is predicted to cause loss of normal protein function either through protein truncation or nonsense-mediated mRNA decay. The c.42_47delAGGGACinsGGGAA variant is not observed in large population cohorts (Lek et al., 2016). We interpret c.42_47delAGGGACinsGGGAA as a pathogenic variant.

NM_000390.4(CHM):c.42_47delinsGGGAA (p.Ile14fs)

Gene: CHM (CHM Rab escort protein; minus strand). Cytogenetic location: Xq21.2.
Variant type: Indel.
Coding change: c.42_47delinsGGGAA on transcript NM_000390.4 (MANE Select); coding-DNA positions 42 to 47, AGGGAC replaced by GGGAA.
Protein change: p.Ile14fs; shifts the reading frame from isoleucine 14.
Molecular consequence: frameshift variant.
Genome position (GRCh38, 1-based): chrX:86,047,486-86,047,491, GTCCCT replaced by TTCCC on the plus strand (AGGGAC replaced by GGGAA on the coding strand, the reverse complement: CHM is on the minus strand). VCF-style: chrX-86047486-GTCCCT-TTCCC. GRCh37 (hg19) VCF-style: chrX-85302490-GTCCCT-TTCCC.
Other names: c.42_47delinsGGGAA, p.Ile14fs (NM_001145414.4); short protein forms I14fs.
Identifiers: ClinVar variation 817930 (VCV000817930.1), dbSNP rs1603288794, ClinGen allele CA915951259.